The following is an entry in ClinVar:

NM_020297.4(ABCC9):c.380C>T (p.Thr127Ile)

Gene: ABCC9 (ATP binding cassette subfamily C member 9; minus strand). Cytogenetic location: 12p12.1.
Variant type: single nucleotide variant.
Coding change: c.380C>T on transcript NM_020297.4 (MANE Select); coding-DNA position 380, C replaced by T.
Protein change: p.Thr127Ile; replaces threonine 127 with isoleucine.
Molecular consequence: missense variant. On other transcripts: 5 prime UTR variant (1).
Genome position (GRCh38, 1-based): chr12:21,925,968, G>A on the plus strand (C>T on the coding strand, the complement: ABCC9 is on the minus strand). VCF-style: chr12-21925968-G-A. GRCh37 (hg19) VCF-style: chr12-22078902-G-A.
Other names: c.380C>T, p.Thr127Ile (NM_001377273.1, NM_005691.4); c.-75C>T (NM_001377274.1); short protein forms T127I.
Identifiers: ClinVar variation 3707702 (VCV003707702.2).

ClinVar aggregate classification (germline): Uncertain significance (1 of 4 stars; one submission).

Conditions:
Dilated cardiomyopathy 1O (CMD1O). Also called: CARDIOMYOPATHY, DILATED, WITH VENTRICULAR TACHYCARDIA. Identifiers: Orphanet 154, MedGen C1837839, MONDO:0012062, OMIM 608569.

Submission:

Labcorp Genetics (formerly Invitae), Labcorp
Classification: Uncertain significance for Dilated cardiomyopathy 1O. Last evaluated: 2024-06-09. Review status: criteria provided, single submitter. Criteria: Invitae Variant Classification Sherloc (09022015). Collection method: clinical testing. Allele origin: germline.
Comment: This sequence change replaces threonine, which is neutral and polar, with isoleucine, which is neutral and non-polar, at codon 127 of the ABCC9 protein (p.Thr127Ile). This variant is not present in population databases (gnomAD no frequency). This variant has not been reported in the literature in individuals affected with ABCC9-related conditions. Advanced modeling of protein sequence and biophysical properties (such as structural, functional, and spatial information, amino acid conservation, physicochemical variation, residue mobility, and thermodynamic stability) performed at Invitae indicates that this missense variant is expected to disrupt ABCC9 protein function with a positive predictive value of 95%. In summary, the available evidence is currently insufficient to determine the role of this variant in disease. Therefore, it has been classified as a Variant of Uncertain Significance.